The following is an entry in ClinVar:

NM_007289.4(MME):c.202C>T (p.Arg68Ter)

Gene: MME (membrane metalloendopeptidase; plus strand). Cytogenetic location: 3q25.2.
Variant type: single nucleotide variant.
Coding change: c.202C>T on transcript NM_007289.4 (MANE Select); coding-DNA position 202, C replaced by T.
Protein change: p.Arg68Ter; replaces arginine 68 with a stop codon.
Molecular consequence: nonsense.
Genome position (GRCh38, 1-based): chr3:155,114,999, C>T. VCF-style: chr3-155114999-C-T. GRCh37 (hg19) VCF-style: chr3-154832788-C-T.
Other names: c.202C>T, p.Arg68Ter (NM_000902.5, NM_001354642.2, NM_001354643.1 and 2 more transcripts); short protein forms R68*.
Identifiers: ClinVar variation 851617 (VCV000851617.56), dbSNP rs201692212, ClinGen allele CA2675077.

ClinVar aggregate classification (germline): Pathogenic/Likely pathogenic. Review status: criteria provided, multiple submitters, no conflicts (2 of 4 stars). 6 submissions from 6 submitters: Pathogenic (4); Likely pathogenic (2). Last evaluated 2025-10-01.

Conditions:
Charcot-Marie-Tooth disease axonal type 2T. Identifiers: Orphanet 443950, MedGen C4015635, OMIM 617017, MONDO:0014866.

Allele frequency attached by ClinVar (database versions not stated): gnomAD 0.00001; ExAC 0.00002; gnomAD exomes 0.00002; TOPMed 0.00002.

Submissions (6):

CeGaT Center for Human Genetics Tuebingen
Classification: Pathogenic. Last evaluated: 2025-10-01. Review status: criteria provided, single submitter. Criteria: CeGaT Center For Human Genetics Tuebingen Variant Classification Criteria Version 2. Collection method: clinical testing. Allele origin: germline. Affected: yes. Observed: 3 variant alleles.
Comment: MME: PVS1, PS4:Moderate, PM2:Supporting

GeneDx
Classification: Likely pathogenic. Last evaluated: 2025-09-16. Review status: criteria provided, single submitter. Criteria: GeneDx Variant Classification Process June 2021. Collection method: clinical testing. Allele origin: germline. Affected: yes.
Comment: Seen heterozygous in patients with Charcot-Marie-Tooth type 2 (CMT2) disease in published literature (PMID: 27588448, 33144514); Observed with a second MME variant in patients with features of MME-related neuropathy referred for genetic testing at GeneDx and in published literature, but it is not known whether the variants occurred on the same (in cis) or on different (in trans) chromosomes (PMID: 38481354); Nonsense variant predicted to result in protein truncation or nonsense mediated decay in a gene for which loss of function is a known mechanism of disease; This variant is associated with the following publications: (PMID: 34480178, 33144514, 27588448, 38548322, 38481354, 39333051)

Labcorp Genetics (formerly Invitae), Labcorp
Classification: Pathogenic. Last evaluated: 2025-07-23. Review status: criteria provided, single submitter. Criteria: Invitae Variant Classification Sherloc (09022015). Collection method: clinical testing. Allele origin: germline.
Comment: This sequence change creates a premature translational stop signal (p.Arg68*) in the MME gene. It is expected to result in an absent or disrupted protein product. Loss-of-function variants in MME are known to be pathogenic (PMID: 26991897). This variant is present in population databases (rs201692212, gnomAD 0.05%). This premature translational stop signal has been observed in individual(s) with Charcot-Marie-Tooth disease type 2 (PMID: 27588448). ClinVar contains an entry for this variant (Variation ID: 851617). For these reasons, this variant has been classified as Pathogenic.

Women's Health and Genetics/Laboratory Corporation of America, LabCorp
Classification: Pathogenic for Charcot-Marie-Tooth disease axonal type 2T. Last evaluated: 2025-06-05. Review status: criteria provided, single submitter. Criteria: LabCorp Variant Classification Summary - May 2015. Collection method: clinical testing. Allele origin: germline.
Comment: Variant summary: MME c.202C>T (p.Arg68X) results in a premature termination codon, predicted to cause a truncation of the encoded protein or absence of the protein due to nonsense mediated decay, which are commonly known mechanisms for disease. The variant allele was found at a frequency of 2.4e-05 in 251388 control chromosomes. c.202C>T has been observed in individual(s) affected with Charcot-Marie Disease Axonal Type 2T (Auer-Grumbach_2016). To our knowledge, no experimental evidence demonstrating an impact on protein function has been reported. The following publication have been ascertained in the context of this evaluation (PMID: 27588448). ClinVar contains an entry for this variant (Variation ID: 851617). Based on the evidence outlined above, the variant was classified as pathogenic.

Undiagnosed Diseases Network, NIH
Classification: Likely pathogenic for Charcot-Marie-Tooth disease axonal type 2T. Last evaluated: 2020-04-08. Review status: criteria provided, single submitter. Criteria: ACMG Guidelines, 2015. Collection method: clinical testing. Allele origin: maternal. Inheritance: Autosomal dominant inheritance. Affected: yes. Observed: 1 variant allele, 1 heterozygote. Study: Undiagnosed Diseases Network (NIH), UDN.

Juno Genomics, Hangzhou Juno Genomics, Inc
Classification: Pathogenic for Charcot-Marie-Tooth disease axonal type 2T. Review status: criteria provided, single submitter. Criteria: ACMG Guidelines, 2015. Collection method: clinical testing. Allele origin: germline.
Comment: Absent from controls (or at extremely low frequency if recessive) in Genome Aggregation Database.;Null variant in a gene where loss of function (LOF) is a known mechanism of disease.;The prevalence of the variant in affected individuals is significantly increased compared to the prevalence in controls.

Literature cited by the submitters: PubMed 26991897 (cited by Labcorp Genetics (formerly Invitae), Labcorp); PubMed 27588448 (cited by Labcorp Genetics (formerly Invitae), Labcorp and Women's Health and Genetics/Laboratory Corporation of America, LabCorp).